The following is an entry in ClinVar:

ClinVar aggregate classification (germline): Uncertain significance (1 of 4 stars; one submission).

Conditions:
Muscular dystrophy-dystroglycanopathy type B6 (MDDGB6). Also called: MUSCULAR DYSTROPHY, CONGENITAL, LARGE-RELATED; MUSCULAR DYSTROPHY, CONGENITAL, TYPE 1D; MUSCULAR DYSTROPHY-DYSTROGLYCANOPATHY (CONGENITAL WITH IMPAIRED INTELLECTUAL DEVELOPMENT), TYPE B, 6. Identifiers: MedGen C1837229, MONDO:0012138, OMIM 608840.

Submission:

Labcorp Genetics (formerly Invitae), Labcorp
Classification: Uncertain significance for Muscular dystrophy-dystroglycanopathy type B6. Last evaluated: 2021-08-05. Review status: criteria provided, single submitter. Criteria: Invitae Variant Classification Sherloc (09022015). Collection method: clinical testing. Allele origin: germline.
Comment: Algorithms developed to predict the effect of sequence changes on RNA splicing suggest that this variant may create or strengthen a splice site. Algorithms developed to predict the effect of missense changes on protein structure and function are either unavailable or do not agree on the potential impact of this missense change (SIFT: "Tolerated"; PolyPhen-2: "Probably Damaging"; Align-GVGD: "Class C0"). This variant has not been reported in the literature in individuals affected with LARGE1-related conditions. This variant is not present in population databases (ExAC no frequency). This sequence change replaces histidine with arginine at codon 163 of the LARGE1 protein (p.His163Arg). The histidine residue is moderately conserved and there is a small physicochemical difference between histidine and arginine. In summary, the available evidence is currently insufficient to determine the role of this variant in disease. Therefore, it has been classified as a Variant of Uncertain Significance.

NM_133642.5(LARGE1):c.488A>G (p.His163Arg)

Gene: LARGE1 (LARGE xylosyl- and glucuronyltransferase 1; minus strand). Cytogenetic location: 22q12.3.
Variant type: single nucleotide variant.
Coding change: c.488A>G on transcript NM_133642.5 (MANE Select); coding-DNA position 488, A replaced by G.
Protein change: p.His163Arg; replaces histidine 163 with arginine.
Molecular consequence: missense variant.
Genome position (GRCh38, 1-based): chr22:33,626,247, T>C on the plus strand (A>G on the coding strand, the complement: LARGE1 is on the minus strand). VCF-style: chr22-33626247-T-C. GRCh37 (hg19) VCF-style: chr22-34022231-T-C.
Other names: c.488A>G, p.His163Arg (NM_001362949.2, NM_001362951.2, NM_001362953.2 and 7 more transcripts); short protein forms H163R.
Identifiers: ClinVar variation 1475246 (VCV001475246.6), dbSNP rs2149076676, ClinGen allele CA411546927.